The following is an entry in ClinVar:

NM_000083.3(CLCN1):c.158G>A (p.Arg53His)

Gene: CLCN1 (chloride voltage-gated channel 1; plus strand). Cytogenetic location: 7q34.
Variant type: single nucleotide variant.
Coding change: c.158G>A on transcript NM_000083.3 (MANE Select); coding-DNA position 158, G replaced by A.
Protein change: p.Arg53His; replaces arginine 53 with histidine.
Molecular consequence: missense variant. On other transcripts: non-coding transcript variant (1).
Genome position (GRCh38, 1-based): chr7:143,316,370, G>A. VCF-style: chr7-143316370-G-A. GRCh37 (hg19) VCF-style: chr7-143013463-G-A.
Other names: short protein forms R53H.
Identifiers: ClinVar variation 3749244 (VCV003749244.2).

ClinVar aggregate classification (germline): Uncertain significance (1 of 4 stars; one submission).

Conditions:
Congenital myotonia, autosomal dominant form (THD). Also called: THOMSEN DISEASE; Myotonia congenita autosomal dominant. Identifiers: Orphanet 614, MedGen C2936781, MONDO:0008055, OMIM 160800.
Congenital myotonia, autosomal recessive form. Also called: Becker Generalized Myotonia; myotonia congenita, autosomal recessive; BECKER DISEASE. Identifiers: Orphanet 614, MedGen C0751360, MONDO:0009715, OMIM 255700.

gnomAD v4.1: 19 of 1,612,912 alleles (0.0012%); highest among the groups gnomAD compares: African/African-American, 0.0027%; no homozygotes.

Submission:

Labcorp Genetics (formerly Invitae), Labcorp
Classification: Uncertain significance for Congenital myotonia, autosomal recessive form; Congenital myotonia, autosomal dominant form. Last evaluated: 2025-09-08. Review status: criteria provided, single submitter. Criteria: Invitae Variant Classification Sherloc (09022015). Collection method: clinical testing. Allele origin: germline.
Comment: This sequence change replaces arginine, which is basic and polar, with histidine, which is basic and polar, at codon 53 of the CLCN1 protein (p.Arg53His). This variant is present in population databases (rs750107386, gnomAD 0.005%). This variant has not been reported in the literature in individuals affected with CLCN1-related conditions. ClinVar contains an entry for this variant (Variation ID: 3749244). Invitae Evidence Modeling of protein sequence and biophysical properties (such as structural, functional, and spatial information, amino acid conservation, physicochemical variation, residue mobility, and thermodynamic stability) indicates that this missense variant is not expected to disrupt CLCN1 protein function with a negative predictive value of 95%. In summary, the available evidence is currently insufficient to determine the role of this variant in disease. Therefore, it has been classified as a Variant of Uncertain Significance.